The following is an entry in ClinVar:

NM_017635.5(KMT5B):c.2474G>A (p.Ser825Asn)

Gene: KMT5B (lysine methyltransferase 5B; minus strand). Cytogenetic location: 11q13.2.
Variant type: single nucleotide variant.
Coding change: c.2474G>A on transcript NM_017635.5 (MANE Select); coding-DNA position 2474, G replaced by A.
Protein change: p.Ser825Asn; replaces serine 825 with asparagine.
Molecular consequence: missense variant.
Genome position (GRCh38, 1-based): chr11:68,157,872, C>T on the plus strand (G>A on the coding strand, the complement: KMT5B is on the minus strand). VCF-style: chr11-68157872-C-T. GRCh37 (hg19) VCF-style: chr11-67925339-C-T.
Other names: c.1958G>A, p.Ser653Asn (NM_001300907.1, NM_001369428.1, NM_001369429.1 and 4 more transcripts); c.1754G>A, p.Ser585Asn (NM_001300908.2); c.2474G>A, p.Ser825Asn (NM_001369426.1); short protein forms S585N, S653N, S825N.
Identifiers: ClinVar variation 1304842 (VCV001304842.2), dbSNP rs2153039898, ClinGen allele CA381586869.
Genomic context (GRCh38, chr11:68,157,872, plus strand): 5'-AAGTCATCATCATAGTCATCCTCCTCTTCATCGCCCTCAGAAGAGGAGGAATCATCTGTA[C>T]TTTCTTCCTCATACTGACTATAGTCATCCACCTCCATTCGAGACTCCAAGAGAGAAAGAG-3'
Protein context (NP_060105.3, residues 815-835): VDDYSQYEEE[Ser825Asn]TDDSSSSEGD

ClinVar aggregate classification (germline): Uncertain significance (1 of 4 stars; one submission).

Submission:

GeneDx
Classification: Uncertain significance. Last evaluated: 2019-07-30. Review status: criteria provided, single submitter. Criteria: GeneDx Variant Classification Process June 2021. Collection method: clinical testing. Allele origin: germline. Affected: yes.
Comment: Not observed in large population cohorts (Lek et al., 2016); In silico analysis, which includes protein predictors and evolutionary conservation, supports that this variant does not alter protein structure/function; Has not been previously published as pathogenic or benign to our knowledge